The following is an entry in ClinVar:

NM_015267.4(CUX2):c.1061A>G (p.Glu354Gly)

Gene: CUX2 (cut like homeobox 2; plus strand). Cytogenetic location: 12q24.12.
Variant type: single nucleotide variant.
Coding change: c.1061A>G on transcript NM_015267.4 (MANE Select); coding-DNA position 1061, A replaced by G.
Protein change: p.Glu354Gly; replaces glutamic acid 354 with glycine.
Molecular consequence: missense variant.
Genome position (GRCh38, 1-based): chr12:111,307,209, A>G. VCF-style: chr12-111307209-A-G. GRCh37 (hg19) VCF-style: chr12-111745013-A-G.
Other names: c.875A>G, p.Glu292Gly (NM_001370598.1); short protein forms E292G, E354G.
Identifiers: ClinVar variation 4822749 (VCV004822749.4).
Genomic context (GRCh38, chr12:111,307,209, plus strand): 5'-CCATGCAGAAGCACACAGACCAGCCTCACCATCTTTCTTTGCTCTTCTAGAAGCTGGAAG[A>G]GAAGCTCCAGGCCCAGTCTGACTATGAGGAAATTAAAACGGAGCTGAGGTACCATGTGGG-3'
Protein context (NP_056082.2, residues 344-364): AKSEAIEKLE[Glu354Gly]KLQAQSDYEE

ClinVar aggregate classification (germline): Uncertain significance (1 of 4 stars; one submission).

Submission:

CeGaT Center for Human Genetics Tuebingen
Classification: Uncertain significance. Last evaluated: 2026-01-01. Review status: criteria provided, single submitter. Criteria: CeGaT Center For Human Genetics Tuebingen Variant Classification Criteria Version 2. Collection method: clinical testing. Allele origin: germline. Affected: yes. Observed: 1 variant allele.
Comment: CUX2: PM2, BP4